The following is an entry in ClinVar:

ClinVar aggregate classification (germline): Likely benign. Review status: criteria provided, multiple submitters, no conflicts (2 of 4 stars). 2 submissions from 2 submitters: Likely benign (2). Last evaluated 2026-03-01.

Submissions (2):

CeGaT Center for Human Genetics Tuebingen
Classification: Likely benign. Last evaluated: 2026-03-01. Review status: criteria provided, single submitter. Criteria: CeGaT Center For Human Genetics Tuebingen Variant Classification Criteria Version 2. Collection method: clinical testing. Allele origin: germline. Affected: yes. Observed: 1 variant allele.
Comment: MAGEL2: BP4, BP7

Genetic Services Laboratory, University of Chicago
Classification: Likely benign. Last evaluated: 2018-02-21. Review status: criteria provided, single submitter. Criteria: ACMG Guidelines, 2015. Collection method: clinical testing. Allele origin: germline. Affected: no.

NM_019066.5(MAGEL2):c.579C>A (p.Pro193=)

Gene: MAGEL2 (MAGE family member L2; minus strand). Cytogenetic location: 15q11.2.
Variant type: single nucleotide variant.
Coding change: c.579C>A on transcript NM_019066.5 (MANE Select); coding-DNA position 579, C replaced by A.
Protein change: p.Pro193=; no amino-acid change (proline 193 retained).
Molecular consequence: synonymous variant.
Genome position (GRCh38, 1-based): chr15:23,647,164, G>T on the plus strand (C>A on the coding strand, the complement: MAGEL2 is on the minus strand). VCF-style: chr15-23647164-G-T. GRCh37 (hg19) VCF-style: chr15-23892311-G-T.
Identifiers: ClinVar variation 1337134 (VCV001337134.6), dbSNP rs113984257, ClinGen allele CA617084236.